The following is an entry in ClinVar:

NM_018263.6(ASXL2):c.1350A>T (p.Gln450His)

Gene: ASXL2 (ASXL transcriptional regulator 2; minus strand). Cytogenetic location: 2p23.3.
Variant type: single nucleotide variant.
Coding change: c.1350A>T on transcript NM_018263.6 (MANE Select); coding-DNA position 1350, A replaced by T.
Protein change: p.Gln450His; replaces glutamine 450 with histidine.
Molecular consequence: missense variant.
Genome position (GRCh38, 1-based): chr2:25,750,206, T>A on the plus strand (A>T on the coding strand, the complement: ASXL2 is on the minus strand). VCF-style: chr2-25750206-T-A. GRCh37 (hg19) VCF-style: chr2-25973075-T-A.
Other names: c.1176A>T, p.Gln392His (NM_001369346.1); c.570A>T, p.Gln190His (NM_001369347.1); short protein forms Q190H, Q450H, Q392H.
Identifiers: ClinVar variation 1959876 (VCV001959876.5), dbSNP rs1302548822, ClinGen allele CA346076563.

ClinVar aggregate classification (germline): Uncertain significance (1 of 4 stars; one submission).

Allele frequency attached by ClinVar (database versions not stated): gnomAD exomes below 0.00001; gnomAD 0.00001.
gnomAD v4.1: 5 of 1,613,900 alleles (0.00031%); highest among the groups gnomAD compares: Non-Finnish European, 0.00042%; no homozygotes.

Submission:

Labcorp Genetics (formerly Invitae), Labcorp
Classification: Uncertain significance. Last evaluated: 2022-03-14. Review status: criteria provided, single submitter. Criteria: Invitae Variant Classification Sherloc (09022015). Collection method: clinical testing. Allele origin: germline.
Comment: In summary, the available evidence is currently insufficient to determine the role of this variant in disease. Therefore, it has been classified as a Variant of Uncertain Significance. Algorithms developed to predict the effect of missense changes on protein structure and function are either unavailable or do not agree on the potential impact of this missense change (SIFT: "Tolerated"; PolyPhen-2: "Not Available"; Align-GVGD: "Class C0"). This variant has not been reported in the literature in individuals affected with ASXL2-related conditions. This variant is present in population databases (no rsID available, gnomAD 0.007%). This sequence change replaces glutamine, which is neutral and polar, with histidine, which is basic and polar, at codon 450 of the ASXL2 protein (p.Gln450His).